The following is an entry in ClinVar:

NM_004086.3(COCH):c.1196_1213del (p.Ile399_Ala404del)

Genes: COCH (cochlin; plus strand), LOC100506071 (uncharacterized LOC100506071; minus strand). Cytogenetic location: 14q12.
Variant type: Deletion.
Coding change: c.1196_1213del on transcript NM_004086.3 (MANE Select); coding-DNA positions 1196 to 1213, 18 bases deleted (TCTCGGACATTGGTGCCA).
Protein change: p.Ile399_Ala404del.
Molecular consequence: inframe deletion. On other transcripts: non-coding transcript variant (1).
Genome position (GRCh38, 1-based): chr14:30,886,031-30,886,048, TCTCGGACATTGGTGCCA deleted; deleting any 18 consecutive bases within chr14:30,886,030-30,886,048 gives the same sequence; the c. name uses the placement nearest the transcript's 3' end. VCF-style (leftmost placement, unchanged base first): chr14-30886029-AATCTCGGACATTGGTGCC-A. GRCh37 (hg19) VCF-style: chr14-31355235-AATCTCGGACATTGGTGCC-A.
Other names: c.1196_1213del, p.Ile399_Ala404del (NM_001135058.2); c.1391_1408del, p.Ile464_Ala469del (NM_001347720.2).
Identifiers: ClinVar variation 2581793 (VCV002581793.1), dbSNP rs2502753670, ClinGen allele CA2582341663.
Genomic context (GRCh38, chr14:30,886,029, plus strand): 5'-TGGAGATAGCAATTTCCGCCTCATGCTTGAATTTGTTTCCAACATAGCCAAGACTTTTGA[AATCTCGGACATTGGTGCC>A]AAGATAGCTGCTGTACAGTTTACTTATGATCAGCGCACGGAGTTCAGTTTCACTGACTAT-3'

ClinVar aggregate classification (germline): Likely pathogenic (1 of 4 stars; one submission).

Submission:

GeneDx
Classification: Likely pathogenic. Last evaluated: 2023-03-27. Review status: criteria provided, single submitter. Criteria: GeneDx Variant Classification Process June 2021. Collection method: clinical testing. Allele origin: germline. Affected: yes.
Comment: Not observed at significant frequency in large population cohorts (gnomAD); In-frame deletion of 6 amino acids in a non-repeat region; In silico analysis supports a deleterious effect on protein structure/function; This variant is associated with the following publications: (PMID: 23374487)